The following is an entry in ClinVar:

ClinVar aggregate classification (germline): Conflicting classifications of pathogenicity. Review status: criteria provided, conflicting classifications (1 of 4 stars). 10 submissions from 10 submitters: Uncertain significance (8); Likely benign (1). 1 of the submissions does not count toward it. Last evaluated 2025-10-15.

Conditions:
Pancreatic cancer, susceptibility to, 3. Identifiers: Orphanet 1333, MedGen C3150547, MONDO:0013236, OMIM 613348.
Breast-ovarian cancer, familial, susceptibility to, 5 (BROVCA5). Identifiers: MedGen C5830615, MONDO:0957530, OMIM 620442.
Fanconi anemia complementation group N. Also called: PALB2-Related Fanconi Anemia. Identifiers: Orphanet 84, MedGen C1835817, MONDO:0012565, OMIM 610832. Disease mechanism: loss of function.
Breast and/or ovarian cancer. Identifiers: MedGen CN221562.
Hereditary cancer-predisposing syndrome. Also called: Neoplastic Syndromes, Hereditary; Hereditary Cancer Syndrome; Tumor predisposition; Hereditary neoplastic syndrome. Identifiers: Orphanet 140162, MedGen C0027672, MeSH D009386, MONDO:0015356.
Chordoma. Identifiers: Orphanet 178, MedGen C0008487, MONDO:0008978, HP:0010762.
Familial cancer of breast. Also called: Hereditary breast cancer; hereditary breast carcinoma; BREAST CANCER, FAMILIAL. Identifiers: Orphanet 227535, MedGen C0346153, MONDO:0016419, OMIM 114480. Disease mechanism: loss of function.

Allele frequency attached by ClinVar (database versions not stated): gnomAD 0.00002; TOPMed 0.00002; ExAC 0.00003.
gnomAD v4.1: 73 of 1,604,864 alleles (0.0045%); highest among the groups gnomAD compares: Non-Finnish European, 0.0058%; no homozygotes.

Submissions (10):

Labcorp Genetics (formerly Invitae), Labcorp
Classification: Uncertain significance for Familial cancer of breast. Last evaluated: 2025-10-15. Review status: criteria provided, single submitter. Criteria: Invitae Variant Classification Sherloc (09022015). Collection method: clinical testing. Allele origin: germline.
Comment: This sequence change replaces valine, which is neutral and non-polar, with isoleucine, which is neutral and non-polar, at codon 919 of the PALB2 protein (p.Val919Ile). This variant is present in population databases (rs775193384, gnomAD 0.004%). This variant has not been reported in the literature in individuals affected with PALB2-related conditions. ClinVar contains an entry for this variant (Variation ID: 225856). Invitae Evidence Modeling of protein sequence and biophysical properties (such as structural, functional, and spatial information, amino acid conservation, physicochemical variation, residue mobility, and thermodynamic stability) indicates that this missense variant is not expected to disrupt PALB2 protein function with a negative predictive value of 80%. Experimental studies are conflicting or provide insufficient evidence to determine the effect of this variant on PALB2 function (PMID: 31636395, 35762214). In summary, the available evidence is currently insufficient to determine the role of this variant in disease. Therefore, it has been classified as a Variant of Uncertain Significance.

GeneDx
Classification: Uncertain significance. Last evaluated: 2025-03-11. Review status: criteria provided, single submitter. Criteria: GeneDx Variant Classification Process June 2021. Collection method: clinical testing. Allele origin: germline. Affected: yes.
Comment: Not observed at significant frequency in large population cohorts (gnomAD); In silico analysis indicates that this missense variant does not alter protein structure/function; Observed in individuals with breast cancer as well as unaffected controls (PMID: 26283626, 33471991); Published functional studies using a cellular homology directed DNA repair (HDR) assay do not demonstrate a damaging effect (PMID: 31636395); This variant is associated with the following publications: (PMID: 26283626, 33471991, 35762214, 31636395)

Center for Genomic Medicine, Rigshospitalet, Copenhagen University Hospital
Classification: Uncertain significance. Last evaluated: 2025-03-04. Review status: criteria provided, single submitter. Criteria: ACMG Guidelines, 2015. Collection method: clinical testing. Allele origin: germline.

Ambry Genetics
Classification: Likely benign for Hereditary cancer-predisposing syndrome. Last evaluated: 2024-04-29. Review status: criteria provided, single submitter. Criteria: Ambry Variant Classification Scheme 2023. Collection method: clinical testing. Allele origin: germline.

Color Diagnostics, LLC DBA Color Health
Classification: Uncertain significance for Hereditary cancer-predisposing syndrome. Last evaluated: 2024-03-06. Review status: criteria provided, single submitter. Criteria: ACMG Guidelines, 2015. Collection method: clinical testing. Allele origin: germline.
Comment: This missense variant replaces valine with isoleucine at codon 919 of the PALB2 protein. Computational prediction suggests that this variant may not impact protein structure and function. A functional study has shown that this variant has neutral impact on homology-directed DNA repair activity (PMID: 31636395). This variant has been detected in a breast cancer case-control meta-analysis in 4/60466 cases and 2/53461 unaffected individuals (PMID: 33471991; Leiden Open Variation Database DB-ID PALB2_010695). This variant has been identified in 4/249880 chromosomes in the general population by the Genome Aggregation Database (gnomAD). The available evidence is insufficient to determine the role of this variant in disease conclusively. Therefore, this variant is classified as a Variant of Uncertain Significance.

Fulgent Genetics
Classification: Uncertain significance for Fanconi anemia complementation group N; Pancreatic cancer, susceptibility to, 3; Breast-ovarian cancer, familial, susceptibility to, 5. Last evaluated: 2024-02-05. Review status: criteria provided, single submitter. Criteria: ACMG Guidelines, 2015. Collection method: clinical testing. Allele origin: germline.

CHEO Genetics Diagnostic Laboratory, Children's Hospital of Eastern Ontario
Classification: Uncertain significance for Breast and/or ovarian cancer. Last evaluated: 2023-06-23. Review status: criteria provided, single submitter. Criteria: ACMG Guidelines, 2015. Collection method: clinical testing. Allele origin: germline.

CeGaT Center for Human Genetics Tuebingen
Classification: Uncertain significance. Last evaluated: 2022-05-01. Review status: criteria provided, single submitter. Criteria: CeGaT Center For Human Genetics Tuebingen Variant Classification Criteria Version 2. Collection method: clinical testing. Allele origin: germline. Affected: yes. Observed: 1 variant allele.
Comment: PALB2: PM2, BP4, BS3:Supporting

Cancer Genetics Laboratory, Peter MacCallum Cancer Centre
Classification: Uncertain significance for Familial cancer of breast. Last evaluated: 2015-06-01. Review status: criteria provided, single submitter. Criteria: Thompson et al. (Breast Cancer Res. 2015). Collection method: case-control. Allele origin: germline. Affected: no. Observed: 1 variant allele, 1 heterozygote.

Integrative Tumor Epidemiology Branch, National Institutes of Health
Classification: Uncertain significance for Chordoma. Last evaluated: 2021-03-22. Review status: no assertion criteria provided. Collection method: research. Allele origin: germline. Affected: yes. Observed: 1 variant allele. Not counted in ClinVar's aggregate classification.
Comment: Modestly reduce HRR activity and BRCA2 binding

Literature cited by the submitters: PubMed 31636395 (cited by 4 submitters); PubMed 35762214 (cited by Labcorp Genetics (formerly Invitae), Labcorp); PubMed 26283626 (cited by Center for Genomic Medicine, Rigshospitalet, Copenhagen University Hospital and Ambry Genetics); PubMed 33471991 (cited by Ambry Genetics and Color Diagnostics, LLC DBA Color Health).

NM_024675.4(PALB2):c.2755G>A (p.Val919Ile)

Gene: PALB2 (partner and localizer of BRCA2; minus strand). Cytogenetic location: 16p12.2.
Variant type: single nucleotide variant.
Coding change: c.2755G>A on transcript NM_024675.4 (MANE Select); coding-DNA position 2755, G replaced by A.
Protein change: p.Val919Ile; replaces valine 919 with isoleucine.
Molecular consequence: missense variant.
Genome position (GRCh38, 1-based): chr16:23,624,088, C>T on the plus strand (G>A on the coding strand, the complement: PALB2 is on the minus strand). VCF-style: chr16-23624088-C-T. GRCh37 (hg19) VCF-style: chr16-23635409-C-T.
Other names: short protein forms V919I.
Identifiers: ClinVar variation 225856 (VCV000225856.65), dbSNP rs775193384, ClinGen allele CA7963488.